The following is an entry in ClinVar:

NM_000038.6(APC):c.7334A>G (p.Lys2445Arg)

Gene: APC (APC regulator of Wnt signaling pathway; plus strand). Cytogenetic location: 5q22.2.
Variant type: single nucleotide variant.
Coding change: c.7334A>G on transcript NM_000038.6 (MANE Select); coding-DNA position 7334, A replaced by G.
Protein change: p.Lys2445Arg; replaces lysine 2445 with arginine.
Molecular consequence: missense variant.
Genome position (GRCh38, 1-based): chr5:112,842,928, A>G. VCF-style: chr5-112842928-A-G. GRCh37 (hg19) VCF-style: chr5-112178625-A-G.
Other names: c.7334A>G, p.Lys2445Arg (NM_001127510.3, NM_001354895.2); c.7280A>G, p.Lys2427Arg (NM_001127511.3); c.7388A>G, p.Lys2463Arg (NM_001354896.2); c.7364A>G, p.Lys2455Arg (NM_001354897.2); c.7259A>G, p.Lys2420Arg (NM_001354898.2); c.7250A>G, p.Lys2417Arg (NM_001354899.2); c.7211A>G, p.Lys2404Arg (NM_001354900.2); c.7157A>G, p.Lys2386Arg (NM_001354901.2); and 5 more; short protein forms K2427R, K2445R, K2344R, K2386R, K2463R, K2285R, K2455R, K2354R.
Identifiers: ClinVar variation 470088 (VCV000470088.24), dbSNP rs1465349688, ClinGen allele CA16037303.

ClinVar aggregate classification (germline): Uncertain significance. Review status: criteria provided, multiple submitters, no conflicts (2 of 4 stars). 5 submissions from 5 submitters: Uncertain significance (5). Last evaluated 2025-12-08.

Conditions:
Familial adenomatous polyposis 1 (FAP1). Also called: POLYPOSIS, ADENOMATOUS INTESTINAL; FAMILIAL ADENOMATOUS POLYPOSIS 1, ATTENUATED. Identifiers: MedGen C2713442, MONDO:0021056, OMIM 175100. Disease mechanism: loss of function.
Hereditary cancer-predisposing syndrome. Also called: Hereditary neoplastic syndrome; Neoplastic Syndromes, Hereditary; Tumor predisposition; Hereditary Cancer Syndrome. Identifiers: Orphanet 140162, MedGen C0027672, MeSH D009386, MONDO:0015356.

Allele frequency attached by ClinVar (database versions not stated): gnomAD exomes below 0.00001 and 0.00002.
gnomAD v4.1: 29 of 1,614,060 alleles (0.0018%); highest among the groups gnomAD compares: Non-Finnish European, 0.0023%; no homozygotes.

Submissions (5):

Labcorp Genetics (formerly Invitae), Labcorp
Classification: Uncertain significance for Familial adenomatous polyposis 1. Last evaluated: 2025-12-08. Review status: criteria provided, single submitter. Criteria: Invitae Variant Classification Sherloc (09022015). Collection method: clinical testing. Allele origin: germline.
Comment: This sequence change replaces lysine, which is basic and polar, with arginine, which is basic and polar, at codon 2445 of the APC protein (p.Lys2445Arg). This variant is present in population databases (no rsID available, gnomAD 0.003%). This variant has not been reported in the literature in individuals affected with APC-related conditions. ClinVar contains an entry for this variant (Variation ID: 470088). Invitae Evidence Modeling of protein sequence and biophysical properties (such as structural, functional, and spatial information, amino acid conservation, physicochemical variation, residue mobility, and thermodynamic stability) indicates that this missense variant is not expected to disrupt APC protein function with a negative predictive value of 95%. RNA analysis performed to evaluate the impact of this missense change on mRNA splicing indicates it does not significantly alter splicing (internal data). In summary, the available evidence is currently insufficient to determine the role of this variant in disease. Therefore, it has been classified as a Variant of Uncertain Significance.

Ambry Genetics
Classification: Uncertain significance for Hereditary cancer-predisposing syndrome. Last evaluated: 2024-12-04. Review status: criteria provided, single submitter. Criteria: Ambry Variant Classification Scheme 2023. Collection method: clinical testing. Allele origin: germline.
Comment: The p.K2445R variant (also known as c.7334A>G), located in coding exon 15 of the APC gene, results from an A to G substitution at nucleotide position 7334. The lysine at codon 2445 is replaced by arginine, an amino acid with highly similar properties. Missense alterations in APC are not a common cause of disease (Spier I et al. Genet Med. 2024 Feb;26(2):100992). This amino acid position is highly conserved in available vertebrate species. In addition, in silico predictors for this gene do not accurately predict pathogenicity. Based on the available evidence, the clinical significance of this variant remains unclear.

Color Diagnostics, LLC DBA Color Health
Classification: Uncertain significance for Hereditary cancer-predisposing syndrome. Last evaluated: 2024-03-06. Review status: criteria provided, single submitter. Criteria: ACMG Guidelines, 2015. Collection method: clinical testing. Allele origin: germline.
Comment: This missense variant replaces lysine with arginine at codon 2445 of the APC protein. Computational prediction is inconclusive regarding the impact of this variant on protein structure and function (internally defined REVEL score threshold 0.5 < inconclusive < 0.7, PMID: 27666373). Splice site prediction tools suggest that this variant may not impact RNA splicing. To our knowledge, functional studies have not been performed for this variant. This variant has not been reported in individuals affected with hereditary cancer in the literature. This variant has been identified in 1/250808 chromosomes in the general population by the Genome Aggregation Database (gnomAD). The available evidence is insufficient to determine the role of this variant in disease conclusively. Therefore, this variant is classified as a Variant of Uncertain Significance.

GeneDx
Classification: Uncertain significance. Last evaluated: 2023-02-15. Review status: criteria provided, single submitter. Criteria: GeneDx Variant Classification Process June 2021. Collection method: clinical testing. Allele origin: germline. Affected: yes.
Comment: Not observed at significant frequency in large population cohorts (gnomAD); In silico analysis supports that this missense variant does not alter protein structure/function; Has not been previously published as pathogenic or benign to our knowledge

Women's Health and Genetics/Laboratory Corporation of America, LabCorp
Classification: Uncertain significance. Last evaluated: 2019-05-15. Review status: criteria provided, single submitter. Criteria: LabCorp Variant Classification Summary - May 2015. Collection method: clinical testing. Allele origin: germline.
Comment: Variant summary: APC c.7334A>G (p.Lys2445Arg) results in a conservative amino acid change located in the Adenomatous polyposis coli protein basic domain of the encoded protein sequence. Three of five in-silico tools predict a damaging effect of the variant on protein function. The variant allele was found at a frequency of 4e-06 in 250808 control chromosomes. The available data on variant occurrences in the general population are insufficient to allow any conclusion about variant significance. To our knowledge, no occurrence of c.7334A>G in individuals affected with Familial Adenomatous Polyposis and no experimental evidence demonstrating its impact on protein function have been reported. Three clinical diagnostic laboratories have submitted clinical-significance assessments for this variant to ClinVar after 2014 without evidence for independent evaluation. All laboratories classified the variant as uncertain significance. Based on the evidence outlined above, the variant was classified as uncertain significance.